The following is an entry in ClinVar:

ClinVar aggregate classification (germline): Pathogenic/Likely pathogenic. Review status: criteria provided, multiple submitters, no conflicts (2 of 4 stars). 2 submissions from 2 submitters: Pathogenic (1); Likely pathogenic (1). Last evaluated 2024-11-12.

Conditions:
TMC1-related disorder. Also called: TMC1-related condition; TMC1-related disorders.

Submissions (2):

Blueprint Genetics
Classification: Likely pathogenic for TMC1-related disorders. Last evaluated: 2024-11-12. Review status: criteria provided, single submitter. Criteria: ACMG Guidelines, 2015. Collection method: clinical testing. Allele origin: germline. Affected: yes. Observed: 2 variant alleles.

Labcorp Genetics (formerly Invitae), Labcorp
Classification: Pathogenic. Last evaluated: 2024-02-03. Review status: criteria provided, single submitter. Criteria: Invitae Variant Classification Sherloc (09022015). Collection method: clinical testing. Allele origin: germline.
Comment: This sequence change creates a premature translational stop signal (p.Ala351Serfs*19) in the TMC1 gene. It is expected to result in an absent or disrupted protein product. Loss-of-function variants in TMC1 are known to be pathogenic (PMID: 11850618, 22105175). This variant is not present in population databases (gnomAD no frequency). This variant has not been reported in the literature in individuals affected with TMC1-related conditions. For these reasons, this variant has been classified as Pathogenic.

Literature cited by the submitters: PubMed 11850618 (cited by Labcorp Genetics (formerly Invitae), Labcorp); PubMed 22105175 (cited by Labcorp Genetics (formerly Invitae), Labcorp).

NM_138691.3(TMC1):c.1050dup (p.Ala351fs)

Gene: TMC1 (transmembrane channel like 1; plus strand). Cytogenetic location: 9q21.13.
Variant type: Duplication.
Coding change: c.1050dup on transcript NM_138691.3 (MANE Select); coding-DNA position 1050, one base duplicated (A; older notation c.1050dupA).
Protein change: p.Ala351fs; shifts the reading frame from alanine 351.
Molecular consequence: frameshift variant.
Genome position (GRCh38, 1-based): chr9:72,789,143, A duplicated; the last of 5 consecutive A bases (chr9:72,789,139-72,789,143); duplicating any one gives the same sequence. VCF-style (leftmost placement, unchanged base first): chr9-72789138-G-GA. GRCh37 (hg19) VCF-style: chr9-75404054-G-GA.
Other names: short protein forms A351fs.
Identifiers: ClinVar variation 3637385 (VCV003637385.3).